The following is an entry in ClinVar:

ClinVar aggregate classification (germline): Uncertain significance. Review status: criteria provided, multiple submitters, no conflicts (2 of 4 stars). 2 submissions from 2 submitters: Uncertain significance (2). Last evaluated 2024-06-10.

Conditions:
Cardiovascular phenotype. Identifiers: MedGen CN230736.
Hereditary cancer-predisposing syndrome. Also called: Neoplastic Syndromes, Hereditary; Tumor predisposition; Hereditary Cancer Syndrome; Hereditary neoplastic syndrome. Identifiers: Orphanet 140162, MedGen C0027672, MeSH D009386, MONDO:0015356.
Neurofibromatosis, type 1 (NF1). Also called: VON RECKLINGHAUSEN DISEASE; NEUROFIBROMATOSIS, TYPE I, SOMATIC; Neurofibromatosis, type I; Peripheral type neurofibromatosis. Identifiers: Orphanet 636, MedGen C0027831, MONDO:0018975, OMIM 162200. Disease mechanism: loss of function.

Allele frequency attached by ClinVar (database versions not stated): TOPMed below 0.00001; ExAC 0.00001; gnomAD 0.00001.
gnomAD v4.1: 1 of 1,614,032 alleles (0.000062%); highest among the groups gnomAD compares: Non-Finnish European, 0.000085%; no homozygotes.

Submissions (2):

Labcorp Genetics (formerly Invitae), Labcorp
Classification: Uncertain significance for Neurofibromatosis, type 1. Last evaluated: 2024-06-10. Review status: criteria provided, single submitter. Criteria: Invitae Variant Classification Sherloc (09022015). Collection method: clinical testing. Allele origin: germline.
Comment: This sequence change replaces glutamine, which is neutral and polar, with histidine, which is basic and polar, at codon 1272 of the NF1 protein (p.Gln1272His). This variant is present in population databases (rs756780735, gnomAD 0.0009%). This variant has not been reported in the literature in individuals affected with NF1-related conditions. ClinVar contains an entry for this variant (Variation ID: 1735202). Advanced modeling of protein sequence and biophysical properties (such as structural, functional, and spatial information, amino acid conservation, physicochemical variation, residue mobility, and thermodynamic stability) has been performed at Invitae for this missense variant, however the output from this modeling did not meet the statistical confidence thresholds required to predict the impact of this variant on NF1 protein function. In summary, the available evidence is currently insufficient to determine the role of this variant in disease. Therefore, it has been classified as a Variant of Uncertain Significance.

Ambry Genetics
Classification: Uncertain significance for Cardiovascular phenotype; Hereditary cancer-predisposing syndrome. Last evaluated: 2021-02-09. Review status: criteria provided, single submitter. Criteria: Ambry Variant Classification Scheme 2023. Collection method: clinical testing. Allele origin: germline.
Comment: The p.Q1272H variant (also known as c.3816G>C), located in coding exon 28 of the NF1 gene, results from a G to C substitution at nucleotide position 3816. The glutamine at codon 1272 is replaced by histidine, an amino acid with highly similar properties. This amino acid position is highly conserved in available vertebrate species. In addition, this alteration is predicted to be deleterious by in silico analysis. Since supporting evidence is limited at this time, the clinical significance of this alteration remains unclear.

NM_001042492.3(NF1):c.3816G>C (p.Gln1272His)

Gene: NF1 (neurofibromin 1; plus strand). Cytogenetic location: 17q11.2.
Variant type: single nucleotide variant.
Coding change: c.3816G>C on transcript NM_001042492.3 (MANE Select); coding-DNA position 3816, G replaced by C.
Protein change: p.Gln1272His; replaces glutamine 1272 with histidine.
Molecular consequence: missense variant.
Genome position (GRCh38, 1-based): chr17:31,235,718, G>C. VCF-style: chr17-31235718-G-C. GRCh37 (hg19) VCF-style: chr17-29562736-G-C.
Other names: c.3816G>C, p.Gln1272His (NM_000267.4); short protein forms Q1272H.
Identifiers: ClinVar variation 1735202 (VCV001735202.4), dbSNP rs756780735, ClinGen allele CA8486235.